The following is an entry in ClinVar:

ClinVar aggregate classification (germline): Likely benign. Review status: criteria provided, multiple submitters, no conflicts (2 of 4 stars). 6 submissions from 6 submitters: Likely benign (6). Last evaluated 2026-02-02.

Conditions:
Fanconi anemia (FA). Also called: Fanconi's anemia. Identifiers: Orphanet 84, MedGen C0015625, MeSH D005199, MONDO:0019391.

Allele frequency attached by ClinVar (database versions not stated): ESP Exome Variant Server 0.00015.
gnomAD v4.1: 313 of 1,613,828 alleles (0.019%); highest among the groups gnomAD compares: Non-Finnish European, 0.025%; no homozygotes.

Submissions (6):

Labcorp Genetics (formerly Invitae), Labcorp
Classification: Likely benign for Fanconi anemia. Last evaluated: 2026-02-02. Review status: criteria provided, single submitter. Criteria: Invitae Variant Classification Sherloc (09022015). Collection method: clinical testing. Allele origin: germline.

CeGaT Center for Human Genetics Tuebingen
Classification: Likely benign. Last evaluated: 2025-03-01. Review status: criteria provided, single submitter. Criteria: CeGaT Center For Human Genetics Tuebingen Variant Classification Criteria Version 2. Collection method: clinical testing. Allele origin: germline. Affected: yes. Observed: 8 variant alleles.
Comment: FANCD2: BP4, BP7

Blueprint Genetics
Classification: Likely benign. Last evaluated: 2024-11-26. Review status: criteria provided, single submitter. Criteria: ACMG Guidelines, 2015. Collection method: clinical testing. Allele origin: germline.

Sema4
Classification: Likely benign for Fanconi anemia. Last evaluated: 2022-01-13. Review status: criteria provided, single submitter. Criteria: Sema4 Curation Guidelines. Collection method: curation. Allele origin: germline.

Genetic Services Laboratory, University of Chicago
Classification: Likely benign. Last evaluated: 2021-04-19. Review status: criteria provided, single submitter. Criteria: ACMG Guidelines, 2015. Collection method: clinical testing. Allele origin: germline. Affected: no.

Breakthrough Genomics
Classification: Likely benign. Review status: criteria provided, single submitter. Criteria: ACMG Guidelines, 2015. Collection method: not provided. Allele origin: germline. Inheritance: Autosomal recessive inheritance. Affected: yes.

NM_001018115.3(FANCD2):c.2103G>T (p.Pro701=)

Genes: FANCD2 (FA complementation group D2; plus strand), LOC107303338 (3p25 FANCD2 Alu-mediated recombination region; plus strand). Cytogenetic location: 3p25.3.
Variant type: single nucleotide variant.
Coding change: c.2103G>T on transcript NM_001018115.3 (MANE Select); coding-DNA position 2103, G replaced by T.
Protein change: p.Pro701=; no amino-acid change (proline 701 retained).
Molecular consequence: synonymous variant.
Genome position (GRCh38, 1-based): chr3:10,064,810, G>T. VCF-style: chr3-10064810-G-T. GRCh37 (hg19) VCF-style: chr3-10106494-G-T.
Other names: c.2103G>T, p.Pro701= (NM_001319984.2, NM_001374254.1, NM_033084.6); c.1992G>T, p.Pro664= (NM_001374253.1).
Identifiers: ClinVar variation 414652 (VCV000414652.41), dbSNP rs139033444, ClinGen allele CA2249963.